The following is an entry in ClinVar:

NM_000122.2(ERCC3):c.2260G>A (p.Asp754Asn)

Gene: ERCC3 (ERCC excision repair 3, TFIIH core complex helicase subunit; minus strand). Cytogenetic location: 2q14.3.
Variant type: single nucleotide variant.
Coding change: c.2260G>A on transcript NM_000122.2 (MANE Select); coding-DNA position 2260, G replaced by A.
Protein change: p.Asp754Asn; replaces aspartic acid 754 with asparagine.
Molecular consequence: missense variant.
Genome position (GRCh38, 1-based): chr2:127,257,685, C>T on the plus strand (G>A on the coding strand, the complement: ERCC3 is on the minus strand). VCF-style: chr2-127257685-C-T. GRCh37 (hg19) VCF-style: chr2-128015261-C-T.
Other names: c.2260G>A (NM_000122.1); c.2068G>A, p.Asp690Asn (NM_001303416.2, NM_001303418.2); short protein forms D690N, D754N.
Identifiers: ClinVar variation 1356642 (VCV001356642.8), dbSNP rs779748578, ClinGen allele CA1858021.

ClinVar aggregate classification (germline): Uncertain significance. Review status: criteria provided, multiple submitters, no conflicts (2 of 4 stars). 2 submissions from 2 submitters: Uncertain significance (2). Last evaluated 2025-04-18.

Allele frequency attached by ClinVar (database versions not stated): TOPMed below 0.00001; ExAC 0.00001; gnomAD exomes 0.00001.
gnomAD v4.1: 10 of 1,614,188 alleles (0.00062%); highest among the groups gnomAD compares: East Asian, 0.0022%; no homozygotes.

Submissions (2):

GeneDx
Classification: Uncertain significance. Last evaluated: 2025-04-18. Review status: criteria provided, single submitter. Criteria: GeneDx Variant Classification Process June 2021. Collection method: clinical testing. Allele origin: germline. Affected: yes.
Comment: In silico analysis indicates that this missense variant does not alter protein structure/function; Has not been previously published as pathogenic or benign to our knowledge

Labcorp Genetics (formerly Invitae), Labcorp
Classification: Uncertain significance. Last evaluated: 2022-09-13. Review status: criteria provided, single submitter. Criteria: Invitae Variant Classification Sherloc (09022015). Collection method: clinical testing. Allele origin: germline.
Comment: In summary, the available evidence is currently insufficient to determine the role of this variant in disease. Therefore, it has been classified as a Variant of Uncertain Significance. Advanced modeling of protein sequence and biophysical properties (such as structural, functional, and spatial information, amino acid conservation, physicochemical variation, residue mobility, and thermodynamic stability) performed at Invitae indicates that this missense variant is not expected to disrupt ERCC3 protein function. ClinVar contains an entry for this variant (Variation ID: 1356642). This variant has not been reported in the literature in individuals affected with ERCC3-related conditions. This variant is present in population databases (rs779748578, gnomAD 0.006%). This sequence change replaces aspartic acid, which is acidic and polar, with asparagine, which is neutral and polar, at codon 754 of the ERCC3 protein (p.Asp754Asn).